The following is an entry in ClinVar:

ClinVar aggregate classification (germline): Uncertain significance. Review status: criteria provided, multiple submitters, no conflicts (2 of 4 stars). 3 submissions from 3 submitters: Uncertain significance (3). Last evaluated 2022-07-01.

Conditions:
Inborn genetic diseases. Identifiers: MedGen C0950123, MeSH D030342.
Generalized pustular psoriasis. Identifiers: Orphanet 247353, MedGen C0343055, MONDO:0100491.

Allele frequency attached by ClinVar (database versions not stated): gnomAD exomes 0.00001; gnomAD 0.00002; TOPMed 0.00002.
gnomAD v4.1: 15 of 1,613,920 alleles (0.00093%); highest among the groups gnomAD compares: Admixed American, 0.0033%; no homozygotes.

Submissions (3):

Labcorp Genetics (formerly Invitae), Labcorp
Classification: Uncertain significance for Generalized pustular psoriasis. Last evaluated: 2022-07-01. Review status: criteria provided, single submitter. Criteria: Invitae Variant Classification Sherloc (09022015). Collection method: clinical testing. Allele origin: germline.
Comment: In summary, the available evidence is currently insufficient to determine the role of this variant in disease. Therefore, it has been classified as a Variant of Uncertain Significance. Algorithms developed to predict the effect of missense changes on protein structure and function (SIFT, PolyPhen-2, Align-GVGD) all suggest that this variant is likely to be disruptive. ClinVar contains an entry for this variant (Variation ID: 330779). This variant has not been reported in the literature in individuals affected with IL36RN-related conditions. This variant is present in population databases (no rsID available, gnomAD 0.003%). This sequence change replaces valine, which is neutral and non-polar, with glutamic acid, which is acidic and polar, at codon 83 of the IL36RN protein (p.Val83Glu).

Ambry Genetics
Classification: Uncertain significance for Inborn genetic diseases. Last evaluated: 2022-02-02. Review status: criteria provided, single submitter. Criteria: Ambry Variant Classification Scheme 2023. Collection method: clinical testing. Allele origin: germline.

Illumina Laboratory Services, Illumina
Classification: Uncertain significance for Acrodermatitis continua suppurativa of Hallopeau. Last evaluated: 2018-01-12. Review status: criteria provided, single submitter. Criteria: ICSL Variant Classification Criteria 13 December 2019. Collection method: clinical testing. Allele origin: germline.

NM_012275.3(IL36RN):c.248T>A (p.Val83Glu)

Gene: IL36RN (interleukin 36 receptor antagonist; plus strand). Cytogenetic location: 2q14.1.
Variant type: single nucleotide variant.
Coding change: c.248T>A on transcript NM_012275.3 (MANE Select); coding-DNA position 248, T replaced by A.
Protein change: p.Val83Glu; replaces valine 83 with glutamic acid.
Molecular consequence: missense variant.
Genome position (GRCh38, 1-based): chr2:113,062,457, T>A. VCF-style: chr2-113062457-T-A. GRCh37 (hg19) VCF-style: chr2-113820034-T-A.
Other names: c.248T>A, p.Val83Glu (NM_173170.1); short protein forms V83E.
Identifiers: ClinVar variation 330779 (VCV000330779.10), dbSNP rs886054767, ClinGen allele CA10611012.